The following is an entry in ClinVar:

ClinVar aggregate classification (germline): Uncertain significance (0 of 4 stars; one submission).

Conditions:
MC4R-related disorder. Also called: MC4R-related condition.

Submission:

PreventionGenetics, part of Exact Sciences
Classification: Uncertain significance for MC4R-related condition. Last evaluated: 2024-05-07. Review status: no assertion criteria provided. Collection method: clinical testing. Allele origin: germline.
Comment: The MC4R c.179T>C variant is predicted to result in the amino acid substitution p.Leu60Ser. To our knowledge, this variant has not been reported in the literature or in a large population database, indicating this variant is rare. At this time, the clinical significance of this variant is uncertain due to the absence of conclusive functional and genetic evidence.

NM_005912.3(MC4R):c.179T>C (p.Leu60Ser)

Gene: MC4R (melanocortin 4 receptor; minus strand). Cytogenetic location: 18q21.32.
Variant type: single nucleotide variant.
Coding change: c.179T>C on transcript NM_005912.3 (MANE Select); coding-DNA position 179, T replaced by C.
Protein change: p.Leu60Ser; replaces leucine 60 with serine.
Molecular consequence: missense variant.
Genome position (GRCh38, 1-based): chr18:60,372,171, A>G on the plus strand (T>C on the coding strand, the complement: MC4R is on the minus strand). VCF-style: chr18-60372171-A-G. GRCh37 (hg19) VCF-style: chr18-58039404-A-G.
Other names: short protein forms L60S.
Identifiers: ClinVar variation 3356357 (VCV003356357.1).